The following is an entry in ClinVar:

NM_138773.4(SLC25A46):c.764G>C (p.Ser255Thr)

Gene: SLC25A46 (solute carrier family 25 member 46; plus strand). Cytogenetic location: 5q22.1.
Variant type: single nucleotide variant.
Coding change: c.764G>C on transcript NM_138773.4 (MANE Select); coding-DNA position 764, G replaced by C.
Protein change: p.Ser255Thr; replaces serine 255 with threonine.
Molecular consequence: missense variant. On other transcripts: non-coding transcript variant (1), intron variant (1).
Genome position (GRCh38, 1-based): chr5:110,761,289, G>C. VCF-style: chr5-110761289-G-C. GRCh37 (hg19) VCF-style: chr5-110096989-G-C.
Other names: c.491G>C, p.Ser164Thr (NM_001303250.3); c.679-158G>C (NM_001303249.3); short protein forms S255T, S164T.
Identifiers: ClinVar variation 2110387 (VCV002110387.2), dbSNP rs2547533183, ClinGen allele CA360696153.
Genomic context (GRCh38, chr5:110,761,289, plus strand): 5'-GCATTTTGGAGTGTGTTAAAGAAGGAATTGGAAGAGTGATAGGCATGGGAGTGCCTCATA[G>C]CAAACGACTTCTTCCGCTTCTTTCCTTGATCTTCCCTACGGTGCTTCATGGAGTTCTTCA-3'
Protein context (NP_620128.1, residues 245-265): GRVIGMGVPH[Ser255Thr]KRLLPLLSLI

ClinVar aggregate classification (germline): Uncertain significance (1 of 4 stars; one submission).

Conditions:
Neuropathy, hereditary motor and sensory, type 6B (HMSN6B). Also called: NEUROPATHY, HEREDITARY MOTOR AND SENSORY, TYPE VIB, WITH OPTIC ATROPHY; HMSN VIB; CHARCOT-MARIE-TOOTH DISEASE, TYPE 6B; Neuropathy, hereditary motor and sensory, type VIB. Identifiers: MedGen C4225302, MONDO:0014671, OMIM 616505.

Allele frequency attached by ClinVar (database versions not stated): gnomAD exomes below 0.00001.
gnomAD v4.1: 1 of 1,613,704 alleles (0.000062%); highest among the groups gnomAD compares: Non-Finnish European, 0.000085%; no homozygotes.

Submission:

Labcorp Genetics (formerly Invitae), Labcorp
Classification: Uncertain significance for Neuropathy, hereditary motor and sensory, type 6B. Last evaluated: 2021-12-22. Review status: criteria provided, single submitter. Criteria: Invitae Variant Classification Sherloc (09022015). Collection method: clinical testing. Allele origin: germline.
Comment: In summary, the available evidence is currently insufficient to determine the role of this variant in disease. Therefore, it has been classified as a Variant of Uncertain Significance. Algorithms developed to predict the effect of missense changes on protein structure and function (SIFT, PolyPhen-2, Align-GVGD) all suggest that this variant is likely to be tolerated. This variant has not been reported in the literature in individuals affected with SLC25A46-related conditions. This variant is not present in population databases (gnomAD no frequency). This sequence change replaces serine, which is neutral and polar, with threonine, which is neutral and polar, at codon 255 of the SLC25A46 protein (p.Ser255Thr).